The following is an entry in ClinVar:

ClinVar aggregate classification (germline): Likely pathogenic (1 of 4 stars; one submission).

Conditions:
Marfan syndrome (MFS). Also called: MARFAN SYNDROME, TYPE I; Marfan syndrome type 1; Marfan's syndrome; Marfan syndrome, classic; FBN1-Related Marfan Syndrome. Identifiers: Orphanet 284963, Orphanet 558, MedGen C0024796, MONDO:0007947, OMIM 154700.

Submission:

Kasturba Medical College, Manipal, Kasturba Medical College, Manipal, Manipal Academy of Higher Education, Manipal, India
Classification: Likely pathogenic for Marfan syndrome. Review status: criteria provided, single submitter. Criteria: ACMG Guidelines, 2015. Collection method: research. Allele origin: maternal. Inheritance: Autosomal dominant inheritance. Affected: yes. Observed: 1 heterozygote.
Comment: This variant is absent in gnomAD (v.1.0) population database, the UMD-FBN1 mutations database and in our in-house data of 3267 individuals. In-silico tools (MutationTaster and SIFTindel) predict the variant to be disease-causing. This variant is predicted to cause shift in the amino acid reading frame and premature truncation, which may likely result in truncated protein. Mono-allelic variants (nonsense/frameshift/nonsynonymous) including those located downstream of this variant are known to be causative of Marfan syndrome. Also, variations in FBN1 gene are known to show intrafamilial and interfamilial phenotypic variability (Milewicz et al., 2021).

Literature cited by the submitters: PubMed 34475413.

NM_000138.5(FBN1):c.8552_8553del (p.Lys2851fs)

Gene: FBN1 (fibrillin 1; minus strand). Cytogenetic location: 15q21.1.
Variant type: Deletion.
Coding change: c.8552_8553del on transcript NM_000138.5 (MANE Select); coding-DNA positions 8552 to 8553, 2 bases deleted (AA; older notation c.8552_8553delAA).
Protein change: p.Lys2851fs; shifts the reading frame from lysine 2851.
Molecular consequence: frameshift variant.
Genome position (GRCh38, 1-based): chr15:48,411,053-48,411,054, TT deleted on the plus strand (AA on the coding strand, the reverse complement: FBN1 is on the minus strand); deleting any 2 consecutive bases within chr15:48,411,053-48,411,055 gives the same sequence; the c. name uses the placement nearest the transcript's 3' end. VCF-style (leftmost placement, unchanged base first): chr15-48411052-CTT-C. GRCh37 (hg19) VCF-style: chr15-48703249-CTT-C.
Other names: c.8552_8553del, p.Lys2851fs (NM_001406716.1); short protein forms K2851fs.
Identifiers: ClinVar variation 3896753 (VCV003896753.1).